The following is an entry in ClinVar:

ClinVar aggregate classification (germline): Pathogenic (1 of 4 stars; one submission).

Conditions:
Cerebral cavernous malformation 3. Also called: Familial Cerebral Cavernous Malformation 3. Identifiers: Orphanet 221061, MedGen C1864040, MONDO:0011305, OMIM 603285.

Submission:

Labcorp Genetics (formerly Invitae), Labcorp
Classification: Pathogenic for Cerebral cavernous malformation 3. Last evaluated: 2022-02-25. Review status: criteria provided, single submitter. Criteria: Invitae Variant Classification Sherloc (09022015). Collection method: clinical testing. Allele origin: germline.
Comment: A similar copy number variant has been observed in individual(s) with cerebral cavernomas (Invitae). This variant is a gross deletion of the genomic region encompassing exon(s) 5-7 of the PDCD10 gene. While this deletion is not anticipated to lead to nonsense mediated decay, it is expected to disrupt the C-terminus of the protein. This variant disrupts a region of the PDCD10 protein in which other variant(s) (p.Phe174Leufs*3) have been determined to be pathogenic (Invitae). This suggests that this is a clinically significant region of the protein, and that variants that disrupt it are likely to be disease-causing. For these reasons, this variant has been classified as Pathogenic.

NC_000003.11:g.(?_167405002)_(167413530_?)del

Gene: PDCD10 (programmed cell death 10; minus strand). Cytogenetic location: 3q26.1.
Variant type: Deletion.
Identifiers: ClinVar variation 2427341 (VCV002427341.4).